The following is an entry in ClinVar:

NM_001145860.2(POP1):c.816dup (p.Asp273fs)

Gene: POP1 (POP1 ribonuclease P/MRP subunit; plus strand). Cytogenetic location: 8q22.2.
Variant type: Duplication.
Coding change: c.816dup on transcript NM_001145860.2 (MANE Select); coding-DNA position 816, one base duplicated (A; older notation c.816dupA).
Protein change: p.Asp273fs; shifts the reading frame from aspartic acid 273.
Molecular consequence: frameshift variant.
Genome position (GRCh38, 1-based): chr8:98,134,029, A duplicated. VCF-style (leftmost placement, unchanged base first): chr8-98134028-T-TA. GRCh37 (hg19) VCF-style: chr8-99146256-T-TA.
Other names: c.816dup, p.Asp273fs (NM_001145861.2, NM_015029.3); short protein forms D273fs.
Identifiers: ClinVar variation 4850447 (VCV004850447.1).

ClinVar aggregate classification (germline): Likely pathogenic (1 of 4 stars; one submission).

Conditions:
Anauxetic dysplasia 2 (ANXD2). Identifiers: MedGen C4479357, MONDO:0054561, OMIM 617396.

Submission:

First Genomix Gene Laboratory, Genetic Diagnostics Department
Classification: Likely pathogenic for Anauxetic dysplasia 2. Last evaluated: 2025-09-24. Review status: criteria provided, single submitter. Criteria: ACMG Guidelines, 2015. Collection method: clinical testing. Allele origin: germline. Inheritance: Autosomal recessive inheritance. Affected: no. Observed: 1 variant allele.